The following is an entry in ClinVar:

NM_001999.4(FBN2):c.4696C>A (p.Pro1566Thr)

Gene: FBN2 (fibrillin 2; minus strand). Cytogenetic location: 5q23.3.
Variant type: single nucleotide variant.
Coding change: c.4696C>A on transcript NM_001999.4 (MANE Select); coding-DNA position 4696, C replaced by A.
Protein change: p.Pro1566Thr; replaces proline 1566 with threonine.
Molecular consequence: missense variant.
Genome position (GRCh38, 1-based): chr5:128,318,170, G>T on the plus strand (C>A on the coding strand, the complement: FBN2 is on the minus strand). VCF-style: chr5-128318170-G-T. GRCh37 (hg19) VCF-style: chr5-127653862-G-T.
Other names: short protein forms P1566T.
Identifiers: ClinVar variation 1720363 (VCV001720363.6), dbSNP rs2479757246, ClinGen allele CA360749329.

ClinVar aggregate classification (germline): Uncertain significance (1 of 4 stars; one submission).

Conditions:
Congenital contractural arachnodactyly (CCA). Also called: BEALS SYNDROME; Beals-Hecht syndrome; Arthrogryposis, distal, type 9. Identifiers: Orphanet 115, MedGen C0220668, MONDO:0007363, OMIM 121050.

Submission:

Labcorp Genetics (formerly Invitae), Labcorp
Classification: Uncertain significance for Congenital contractural arachnodactyly. Last evaluated: 2022-09-25. Review status: criteria provided, single submitter. Criteria: Invitae Variant Classification Sherloc (09022015). Collection method: clinical testing. Allele origin: germline.
Comment: This variant is not present in population databases (gnomAD no frequency). This sequence change replaces proline, which is neutral and non-polar, with threonine, which is neutral and polar, at codon 1566 of the FBN2 protein (p.Pro1566Thr). This variant has not been reported in the literature in individuals affected with FBN2-related conditions. Algorithms developed to predict the effect of missense changes on protein structure and function (SIFT, PolyPhen-2, Align-GVGD) all suggest that this variant is likely to be disruptive. In summary, the available evidence is currently insufficient to determine the role of this variant in disease. Therefore, it has been classified as a Variant of Uncertain Significance.